The following is an entry in ClinVar:

NM_000238.4(KCNH2):c.1128+1807A>G

Gene: KCNH2 (potassium voltage-gated channel subfamily H member 2; minus strand). Cytogenetic location: 7q36.1.
Variant type: single nucleotide variant.
Coding change: c.1128+1807A>G on transcript NM_000238.4 (MANE Select); 1807 bases into the intron after coding-DNA position 1128, A replaced by G.
Molecular consequence: intron variant. On other transcripts: missense variant (2), non-coding transcript variant (1).
Genome position (GRCh38, 1-based): chr7:150,955,484, T>C on the plus strand (A>G on the coding strand, the complement: KCNH2 is on the minus strand). VCF-style: chr7-150955484-T-C. GRCh37 (hg19) VCF-style: chr7-150652572-T-C.
Other names: c.20A>G, p.Lys7Arg (NM_001204798.2, NM_172057.3); c.840+1807A>G (NM_001406753.1, NM_001406756.1); c.1128+1807A>G (NM_172056.3); c.951+1807A>G (NM_001406755.1); c.828+1807A>G (NM_001406757.1); short protein forms K7R.
Identifiers: ClinVar variation 4819535 (VCV004819535.1).

ClinVar aggregate classification (germline): Uncertain significance (1 of 4 stars; one submission).

gnomAD v4.1: 2 of 1,551,334 alleles (0.00013%); highest among the groups gnomAD compares: African/African-American, 0.0027%; no homozygotes.

Submission:

GeneDx
Classification: Uncertain significance. Last evaluated: 2025-10-06. Review status: criteria provided, single submitter. Criteria: GeneDx Variant Classification Process June 2021. Collection method: clinical testing. Allele origin: germline. Affected: yes.
Comment: Not observed at significant frequency in large population cohorts (gnomAD); In silico analysis suggests that this variant does not alter splicing; Has not been previously published as pathogenic or benign to our knowledge; Reported using an alternate transcript of the gene